The following is an entry in ClinVar:

ClinVar aggregate classification (germline): Uncertain significance. Review status: criteria provided, multiple submitters, no conflicts (2 of 4 stars). 2 submissions from 2 submitters: Uncertain significance (2). Last evaluated 2025-05-28.

Conditions:
Hereditary cancer-predisposing syndrome. Also called: Hereditary neoplastic syndrome; Tumor predisposition; Neoplastic Syndromes, Hereditary; Hereditary Cancer Syndrome. Identifiers: Orphanet 140162, MedGen C0027672, MeSH D009386, MONDO:0015356.

Submissions (2):

Ambry Genetics
Classification: Uncertain significance for Hereditary cancer-predisposing syndrome. Last evaluated: 2025-05-28. Review status: criteria provided, single submitter. Criteria: Ambry Variant Classification Scheme 2023. Collection method: clinical testing. Allele origin: germline.
Comment: The p.A500S variant (also known as c.1498G>T), located in coding exon 4 of the MSH6 gene, results from a G to T substitution at nucleotide position 1498. The alanine at codon 500 is replaced by serine, an amino acid with similar properties. This amino acid position is not well conserved in available vertebrate species. In addition, this alteration is predicted to be tolerated by in silico analysis. Based on the available evidence, the clinical significance of this variant remains unclear.

GeneDx
Classification: Uncertain significance. Last evaluated: 2015-07-15. Review status: criteria provided, single submitter. Criteria: GeneDx Variant Classification (06012015). Collection method: clinical testing. Allele origin: germline. Affected: yes.
Comment: This variant is denoted MSH6 c.1498G>T at the cDNA level, p.Ala500Ser (A500S) at the protein level, and results in the change of an Alanine to a Serine (GCA>TCA). This variant has not, to our knowledge, been published in the literature as pathogenic or benign. MSH6 Ala500Ser was not observed in approximately 6,500 individuals of European and African American ancestry in the NHLBI Exome Sequencing Project, indicating it is not a common benign variant in these populations. Since Alanine and Serine differ in polarity, charge, size or other properties, this is considered a non-conservative amino acid substitution. MSH6 Ala500Ser occurs at a position that is conserved in mammals and is located in domain I of the MutS domain (Terui 2013). In silico analyses are inconsistent regarding the effect this variant may have on protein structure and function. Based on currently available information, it is unclear whether MSH6 Ala500Ser is pathogenic or benign. We consider it to be a variant of uncertain significance.

NM_000179.3(MSH6):c.1498G>T (p.Ala500Ser)

Gene: MSH6 (mutS homolog 6; plus strand). Cytogenetic location: 2p16.3.
Variant type: single nucleotide variant.
Coding change: c.1498G>T on transcript NM_000179.3 (MANE Select); coding-DNA position 1498, G replaced by T.
Protein change: p.Ala500Ser; replaces alanine 500 with serine.
Molecular consequence: missense variant.
Genome position (GRCh38, 1-based): chr2:47,799,481, G>T. VCF-style: chr2-47799481-G-T. GRCh37 (hg19) VCF-style: chr2-48026620-G-T.
Other names: c.1108G>T, p.Ala370Ser (NM_001281492.2); c.592G>T, p.Ala198Ser (NM_001281493.2, NM_001281494.2); short protein forms A500S, A198S, A370S.
Identifiers: ClinVar variation 419499 (VCV000419499.5), dbSNP rs786204127, ClinGen allele CA16617653.
Genomic context (GRCh38, chr2:47,799,481, plus strand): 5'-GTAGCACGAGTGGAACAGACTGAGACTCCAGAAATGATGGAGGCACGATGTAGAAAGATG[G>T]CACATATATCCAAGTATGATAGAGTGGTGAGGAGGGAGATCTGTAGGATCATTACCAAGG-3'
Protein context (NP_000170.1, residues 490-510): EMMEARCRKM[Ala500Ser]HISKYDRVVR